The following is an entry in ClinVar:

ClinVar aggregate classification (germline): Uncertain significance (1 of 4 stars; one submission).

Conditions:
PCNT-related disorder. Also called: PCNT-related condition.

gnomAD v4.1: 3 of 1,613,918 alleles (0.00019%); highest among the groups gnomAD compares: Admixed American, 0.0017%; no homozygotes.

Submission:

PreventionGenetics, part of Exact Sciences
Classification: Uncertain significance for PCNT-related condition. Last evaluated: 2025-01-23. Review status: criteria provided, single submitter. Criteria: ACMG Guidelines, 2015. Collection method: clinical testing. Allele origin: germline.
Comment: The PCNT c.3614C>A variant is predicted to result in the amino acid substitution p.Ala1205Glu. To our knowledge, this variant has not been reported in the literature. This variant is reported in 0.0029% of alleles in individuals of Latino descent in gnomAD. At this time, the clinical significance of this variant is uncertain due to the absence of conclusive functional and genetic evidence.

NM_006031.6(PCNT):c.3614C>A (p.Ala1205Glu)

Gene: PCNT (pericentrin; plus strand). Cytogenetic location: 21q22.3.
Variant type: single nucleotide variant.
Coding change: c.3614C>A on transcript NM_006031.6 (MANE Select); coding-DNA position 3614, C replaced by A.
Protein change: p.Ala1205Glu; replaces alanine 1205 with glutamic acid.
Molecular consequence: missense variant.
Genome position (GRCh38, 1-based): chr21:46,389,205, C>A. VCF-style: chr21-46389205-C-A. GRCh37 (hg19) VCF-style: chr21-47809120-C-A.
Other names: c.3260C>A, p.Ala1087Glu (NM_001315529.2); short protein forms A1087E, A1205E.
Identifiers: ClinVar variation 4977345 (VCV004977345.1).